The following is an entry in ClinVar:

NM_001211.6(BUB1B):c.3127A>T (p.Ser1043Cys)

Genes: BUB1B (BUB1 mitotic checkpoint serine/threonine kinase B; plus strand), BUB1B-PAK6 (BUB1B-PAK6 readthrough; plus strand). Cytogenetic location: 15q15.1.
Variant type: single nucleotide variant.
Coding change: c.3127A>T on transcript NM_001211.6 (MANE Select); coding-DNA position 3127, A replaced by T.
Protein change: p.Ser1043Cys; replaces serine 1043 with cysteine.
Molecular consequence: missense variant. On other transcripts: intron variant (2).
Genome position (GRCh38, 1-based): chr15:40,220,733, A>T. VCF-style: chr15-40220733-A-T. GRCh37 (hg19) VCF-style: chr15-40512934-A-T.
Other names: c.-201+3066A>T (NM_001128628.3); c.-118+3066A>T (NM_001128629.3); short protein forms S1043C.
Identifiers: ClinVar variation 3221423 (VCV003221423.1), dbSNP rs2037891570, ClinGen allele CA391690539.
Genomic context (GRCh38, chr15:40,220,733, plus strand): 5'-TTTGACACTACATTCCAAAGTCACCTGAACAAAGCCTTATGGAAGGTAGGGAAGTTAACT[A>T]GTCCTGGGGCTTTGCTCTTTCAGTGAGCTAGGCAATCAAGTCTCACAGATTGCTGCCTCA-3'
Protein context (NP_001202.5, residues 1033-1050): KALWKVGKLT[Ser1043Cys]PGALLFQ

ClinVar aggregate classification (germline): Uncertain significance (1 of 4 stars; one submission).

Conditions:
Inborn genetic diseases. Identifiers: MedGen C0950123, MeSH D030342.

Submission:

Ambry Genetics
Classification: Uncertain significance for Inborn genetic diseases. Last evaluated: 2023-10-06. Review status: criteria provided, single submitter. Criteria: Ambry Variant Classification Scheme 2023. Collection method: clinical testing. Allele origin: germline.
Comment: The p.S1043C variant (also known as c.3127A>T), located in coding exon 23 of the BUB1B gene, results from an A to T substitution at nucleotide position 3127. The serine at codon 1043 is replaced by cysteine, an amino acid with dissimilar properties. This amino acid position is conserved. In addition, this alteration is predicted to be tolerated by in silico analysis. Since supporting evidence is limited at this time, the clinical significance of this alteration remains unclear.